The following is an entry in ClinVar:

ClinVar aggregate classification (germline): Pathogenic (1 of 4 stars; one submission).

Submission:

GeneDx
Classification: Pathogenic. Last evaluated: 2024-10-22. Review status: criteria provided, single submitter. Criteria: GeneDx Variant Classification Process June 2021. Collection method: clinical testing. Allele origin: germline. Affected: yes.
Comment: Nonsense variant predicted to result in protein truncation or nonsense mediated decay in a gene for which loss of function is a known mechanism of disease; Not observed at significant frequency in large population cohorts (gnomAD); Truncating variants in this gene are considered pathogenic by a well-established clinical consortium and/or database; Also known as 1872G>T; This variant is associated with the following publications: (PMID: 34645131, 35356428)

NM_007294.4(BRCA1):c.1753G>T (p.Glu585Ter)

Gene: BRCA1 (BRCA1 DNA repair associated; minus strand). Cytogenetic location: 17q21.31.
Variant type: single nucleotide variant.
Coding change: c.1753G>T on transcript NM_007294.4 (MANE Select); coding-DNA position 1753, G replaced by T.
Protein change: p.Glu585Ter; replaces glutamic acid 585 with a stop codon.
Molecular consequence: nonsense. On other transcripts: intron variant (137).
Genome position (GRCh38, 1-based): chr17:43,093,778, C>A on the plus strand (G>T on the coding strand, the complement: BRCA1 is on the minus strand). VCF-style: chr17-43093778-C-A. GRCh37 (hg19) VCF-style: chr17-41245795-C-A.
Other names: c.1540G>T, p.Glu514Ter (NM_001407571.1, NM_001407853.1, NM_001407894.1 and 9 more transcripts); c.1753G>T, p.Glu585Ter (NM_001407581.1, NM_001407582.1, NM_001407583.1 and 30 more transcripts); c.1750G>T, p.Glu584Ter (NM_001407587.1, NM_001407590.1, NM_001407591.1 and 22 more transcripts); c.1744G>T, p.Glu582Ter (NM_001407646.1, NM_001407647.1); c.1630G>T, p.Glu544Ter (NM_001407648.1, NM_001407664.1, NM_001407665.1 and 19 more transcripts); c.1627G>T, p.Glu543Ter (NM_001407649.1, NM_001407670.1, NM_001407671.1 and 11 more transcripts); c.1675G>T, p.Glu559Ter (NM_001407653.1, NM_001407654.1, NM_001407655.1 and 4 more transcripts); c.1672G>T, p.Glu558Ter (NM_001407659.1, NM_001407660.1, NM_001407661.1 and 1 more transcripts); and 40 more; short protein forms E289*, E417*, E457*, E458*, E473*, E474*, E496*, E497*.
Identifiers: ClinVar variation 3893340 (VCV003893340.1).